The following is an entry in ClinVar:

ClinVar aggregate classification (germline): Uncertain significance. Review status: criteria provided, multiple submitters, no conflicts (2 of 4 stars). 2 submissions from 2 submitters: Uncertain significance (2). Last evaluated 2026-07-31.

Conditions:
PCNT-related disorder. Also called: PCNT-related condition.

Allele frequency attached by ClinVar (database versions not stated): gnomAD exomes below 0.00001; ExAC 0.00002.
gnomAD v4.1: 4 of 1,614,214 alleles (0.00025%); highest among the groups gnomAD compares: Middle Eastern, 0.016%; no homozygotes.

Submissions (2):

PreventionGenetics, part of Exact Sciences
Classification: Uncertain significance for PCNT-related condition. Last evaluated: 2026-07-31. Review status: criteria provided, single submitter. Criteria: ACMG Guidelines, 2015. Collection method: clinical testing. Allele origin: germline.
Comment: The PCNT c.7714G>A variant is predicted to result in the amino acid substitution p.Glu2572Lys. To our knowledge, this variant has not been reported in the literature. This variant is reported in 0.0026% of alleles in individuals of European (Non-Finnish) descent in gnomAD. At this time, the clinical significance of this variant is uncertain due to the absence of conclusive functional and genetic evidence.

Labcorp Genetics (formerly Invitae), Labcorp
Classification: Uncertain significance. Last evaluated: 2023-03-20. Review status: criteria provided, single submitter. Criteria: Invitae Variant Classification Sherloc (09022015). Collection method: clinical testing. Allele origin: germline.
Comment: This sequence change replaces glutamic acid, which is acidic and polar, with lysine, which is basic and polar, at codon 2572 of the PCNT protein (p.Glu2572Lys). This variant is present in population databases (rs771959511, gnomAD 0.003%). This variant has not been reported in the literature in individuals affected with PCNT-related conditions. An algorithm developed to predict the effect of missense changes on protein structure and function (PolyPhen-2) suggests that this variant is likely to be disruptive. In summary, the available evidence is currently insufficient to determine the role of this variant in disease. Therefore, it has been classified as a Variant of Uncertain Significance.

NM_006031.6(PCNT):c.7714G>A (p.Glu2572Lys)

Gene: PCNT (pericentrin; plus strand). Cytogenetic location: 21q22.3.
Variant type: single nucleotide variant.
Coding change: c.7714G>A on transcript NM_006031.6 (MANE Select); coding-DNA position 7714, G replaced by A.
Protein change: p.Glu2572Lys; replaces glutamic acid 2572 with lysine.
Molecular consequence: missense variant.
Genome position (GRCh38, 1-based): chr21:46,430,033, G>A. VCF-style: chr21-46430033-G-A. GRCh37 (hg19) VCF-style: chr21-47849947-G-A.
Other names: c.7360G>A, p.Glu2454Lys (NM_001315529.2); c.7714G>A (NM_006031.5); short protein forms E2572K, E2454K.
Identifiers: ClinVar variation 2782829 (VCV002782829.4), dbSNP rs771959511, ClinGen allele CA10080784.